The following is an entry in ClinVar:

ClinVar aggregate classification (germline): Uncertain significance (1 of 4 stars; one submission).

Allele frequency attached by ClinVar (database versions not stated): ExAC 0.00007.
gnomAD v4.1: 32 of 1,566,244 alleles (0.002%); highest among the groups gnomAD compares: African/African-American, 0.0027%; no homozygotes.

Submission:

Labcorp Genetics (formerly Invitae), Labcorp
Classification: Uncertain significance. Last evaluated: 2022-10-08. Review status: criteria provided, single submitter. Criteria: Invitae Variant Classification Sherloc (09022015). Collection method: clinical testing. Allele origin: germline.
Comment: This sequence change replaces arginine, which is basic and polar, with glutamine, which is neutral and polar, at codon 351 of the TSEN54 protein (p.Arg351Gln). The frequency data for this variant in the population databases is considered unreliable, as metrics indicate poor data quality at this position in the gnomAD database. This variant has not been reported in the literature in individuals affected with TSEN54-related conditions. Advanced modeling of protein sequence and biophysical properties (such as structural, functional, and spatial information, amino acid conservation, physicochemical variation, residue mobility, and thermodynamic stability) performed at Invitae indicates that this missense variant is not expected to disrupt TSEN54 protein function. In summary, the available evidence is currently insufficient to determine the role of this variant in disease. Therefore, it has been classified as a Variant of Uncertain Significance.

NM_207346.3(TSEN54):c.1052G>A (p.Arg351Gln)

Gene: TSEN54 (tRNA splicing endonuclease subunit 54; plus strand). Cytogenetic location: 17q25.1.
Variant type: single nucleotide variant.
Coding change: c.1052G>A on transcript NM_207346.3 (MANE Select); coding-DNA position 1052, G replaced by A.
Protein change: p.Arg351Gln; replaces arginine 351 with glutamine.
Molecular consequence: missense variant.
Genome position (GRCh38, 1-based): chr17:75,522,133, G>A. VCF-style: chr17-75522133-G-A. GRCh37 (hg19) VCF-style: chr17-73518214-G-A.
Other names: short protein forms R351Q.
Identifiers: ClinVar variation 1912478 (VCV001912478.2), dbSNP rs750365732, ClinGen allele CA8764331.